The following is an entry in ClinVar:

NM_004385.5(VCAN):c.8554A>T (p.Ile2852Leu)

Genes: VCAN (versican; plus strand), VCAN-AS1 (VCAN antisense RNA 1; minus strand). Cytogenetic location: 5q14.3.
Variant type: single nucleotide variant.
Coding change: c.8554A>T on transcript NM_004385.5 (MANE Select); coding-DNA position 8554, A replaced by T.
Protein change: p.Ile2852Leu; replaces isoleucine 2852 with leucine.
Molecular consequence: missense variant. On other transcripts: intron variant (2).
Genome position (GRCh38, 1-based): chr5:83,541,557, A>T. VCF-style: chr5-83541557-A-T. GRCh37 (hg19) VCF-style: chr5-82837376-A-T.
Other names: c.5593A>T, p.Ile1865Leu (NM_001164097.2); c.4004-3980A>T (NM_001164098.2); c.1043-3980A>T (NM_001126336.3); short protein forms I1865L, I2852L.
Identifiers: ClinVar variation 961720 (VCV000961720.9), dbSNP rs1746992464, ClinGen allele CA360293661.

ClinVar aggregate classification (germline): Uncertain significance (1 of 4 stars; one submission).

Submission:

Labcorp Genetics (formerly Invitae), Labcorp
Classification: Uncertain significance. Last evaluated: 2020-01-28. Review status: criteria provided, single submitter. Criteria: Invitae Variant Classification Sherloc (09022015). Collection method: clinical testing. Allele origin: germline.
Comment: This variant has not been reported in the literature in individuals with VCAN-related conditions. This variant is not present in population databases (ExAC no frequency). This sequence change replaces isoleucine with leucine at codon 2852 of the VCAN protein (p.Ile2852Leu). The isoleucine residue is weakly conserved and there is a small physicochemical difference between isoleucine and leucine. Algorithms developed to predict the effect of missense changes on protein structure and function output the following: SIFT: "Tolerated"; PolyPhen-2: "Benign"; Align-GVGD: "Class C0". The leucine amino acid residue is found in multiple mammalian species, suggesting that this missense change does not adversely affect protein function. These predictions have not been confirmed by published functional studies and their clinical significance is uncertain. In summary, the available evidence is currently insufficient to determine the role of this variant in disease. Therefore, it has been classified as a Variant of Uncertain Significance.